The following is an entry in ClinVar:

ClinVar aggregate classification (germline): Pathogenic/Likely pathogenic. Review status: criteria provided, multiple submitters, no conflicts (2 of 4 stars). 6 submissions from 5 submitters: Pathogenic (5); Likely pathogenic (1). Last evaluated 2026-04-23.

Conditions:
Autosomal recessive Alport syndrome (ATS2). Also called: COL4A4 Alport Syndrome and Thin Basement Membrane Nephropathy; ALPORT SYNDROME 2, AUTOSOMAL RECESSIVE; Alport syndrome type 2; COL4A3-Related Nephropathy. Identifiers: Orphanet 63, Orphanet 88919, MedGen C4746745, MONDO:0008762, OMIM 203780.
Hematuria, benign familial, 1 (BFH1). Also called: THIN MEMBRANE NEPHROPATHY. Identifiers: MedGen CN376803, MONDO:0007709, OMIM 141200.
Autosomal dominant Alport syndrome (ATS3A). Also called: ALPORT SYNDROME 3A, AUTOSOMAL DOMINANT; Alport syndrome dominant type; Renal failure and sensorineural hearing loss. Identifiers: Orphanet 63, Orphanet 88918, MedGen C5882663, MONDO:0007086, OMIM 104200.
Benign familial hematuria. Also called: thin basement membrane disease. Identifiers: MedGen C0241908, MONDO:0957317.

Allele frequency attached by ClinVar (database versions not stated): gnomAD exomes below 0.00001 and 0.00001; TOPMed below 0.00001; ExAC 0.00001.
gnomAD v4.1: 3 of 1,613,710 alleles (0.00019%); highest among the groups gnomAD compares: South Asian, 0.0022%; no homozygotes.

Submissions (6):

Centre de Génétique Humaine, Institut de Pathologie Et de Génétique
Classification: Pathogenic for Autosomal recessive Alport syndrome. Last evaluated: 2026-04-23. Review status: criteria provided, single submitter. Criteria: ACMG Guidelines, 2015. Collection method: clinical testing. Allele origin: maternal. Inheritance: Autosomal recessive inheritance. Affected: yes. Observed: 1 variant allele, 1 compound heterozygote. Segregation with disease observed.
Comment: Nonsense variant predicted to result in protein truncation or nonsense mediated decay in a gene for which loss-of-function is a known mechanism of disease (PVS1). This variant is rare: allelic frequency of 0.00018% in gnomAD v4.1.0 database (PM2). Described in scientific litterature in AR and AD AS (PP5).

Centre de Génétique Humaine, Institut de Pathologie Et de Génétique
Classification: Pathogenic for Autosomal dominant Alport syndrome. Last evaluated: 2026-04-23. Review status: criteria provided, single submitter. Criteria: ACMG Guidelines, 2015. Collection method: clinical testing. Allele origin: germline. Inheritance: Autosomal dominant inheritance. Affected: yes. Observed: 1 variant allele, 1 heterozygote. Segregation with disease not observed.
Comment: the same text as in the submission from Centre de Génétique Humaine, Institut de Pathologie Et de Génétique above.

3billion
Classification: Pathogenic for Autosomal recessive Alport syndrome. Last evaluated: 2025-02-07. Review status: criteria provided, single submitter. Criteria: ACMG Guidelines, 2015. Collection method: clinical testing. Allele origin: germline. Affected: yes.
Comment: The variant is observed at an extremely low frequency in the gnomAD v4.1.0 dataset (total allele frequency: <0.001%). Predicted Consequence/Location: Stop-gained (nonsense): predicted to result in a loss or disruption of normal protein function through nonsense-mediated decay (NMD) or protein truncation. Multiple pathogenic variants are reported downstream of the variant. The variant has been reported at least twice as pathogenic without evidence for the classification (ClinVar ID: VCV000976760 /PMID: 33772369 /3billion dataset). Therefore, this variant is classified as Pathogenic according to the recommendation of ACMG/AMP guideline.

Labcorp Genetics (formerly Invitae), Labcorp
Classification: Pathogenic. Last evaluated: 2024-04-01. Review status: criteria provided, single submitter. Criteria: Invitae Variant Classification Sherloc (09022015). Collection method: clinical testing. Allele origin: germline.
Comment: This sequence change creates a premature translational stop signal (p.Arg641*) in the COL4A4 gene. It is expected to result in an absent or disrupted protein product. Loss-of-function variants in COL4A4 are known to be pathogenic (PMID: 21196518, 24854265, 25307543). This variant is present in population databases (rs778345125, gnomAD 0.003%). This variant has not been reported in the literature in individuals affected with COL4A4-related conditions. ClinVar contains an entry for this variant (Variation ID: 976760). For these reasons, this variant has been classified as Pathogenic.

Institute of Human Genetics Munich, TUM University Hospital
Classification: Pathogenic for Hematuria, benign familial, 1. Last evaluated: 2019-02-28. Review status: criteria provided, single submitter. Criteria: Classification criteria August 2017. Collection method: clinical testing. Allele origin: paternal. Inheritance: Autosomal dominant inheritance. Affected: yes. Observed: 1 heterozygote.

Juno Genomics, Hangzhou Juno Genomics, Inc
Classification: Likely pathogenic for Hematuria, benign familial, 1; Autosomal recessive Alport syndrome. Review status: criteria provided, single submitter. Criteria: ACMG Guidelines, 2015. Collection method: clinical testing. Allele origin: germline. Affected: yes.
Comment: Absent from controls (or at extremely low frequency if recessive) in Genome Aggregation Database, Exome Sequencing Project, 1000 Genomes Project, or Exome Aggregation Consortium.;Null variant in a gene where loss of function (LOF) is a known mechanism of disease.

Literature cited by the submitters: PubMed 33772369 (cited by Centre de Génétique Humaine, Institut de Pathologie Et de Génétique and 3billion); PubMed 33838161 (cited by Centre de Génétique Humaine, Institut de Pathologie Et de Génétique); PubMed 36117978 (cited by Centre de Génétique Humaine, Institut de Pathologie Et de Génétique); PubMed 39540369 (cited by Centre de Génétique Humaine, Institut de Pathologie Et de Génétique); PubMed 21196518 (cited by Labcorp Genetics (formerly Invitae), Labcorp); PubMed 24854265 (cited by Labcorp Genetics (formerly Invitae), Labcorp); PubMed 25307543 (cited by Labcorp Genetics (formerly Invitae), Labcorp).

NM_000092.5(COL4A4):c.1921C>T (p.Arg641Ter)

Gene: COL4A4 (collagen type IV alpha 4 chain; minus strand). Cytogenetic location: 2q36.3.
Variant type: single nucleotide variant.
Coding change: c.1921C>T on transcript NM_000092.5 (MANE Select); coding-DNA position 1921, C replaced by T.
Protein change: p.Arg641Ter; replaces arginine 641 with a stop codon.
Molecular consequence: nonsense.
Genome position (GRCh38, 1-based): chr2:227,077,960, G>A on the plus strand (C>T on the coding strand, the complement: COL4A4 is on the minus strand). VCF-style: chr2-227077960-G-A. GRCh37 (hg19) VCF-style: chr2-227942676-G-A.
Other names: p.(Arg641*); short protein forms R641*.
Identifiers: ClinVar variation 976760 (VCV000976760.12), dbSNP rs778345125, ClinGen allele CA2145018.
Genomic context (GRCh38, chr2:227,077,960, plus strand): 5'-GACCCTTCAAGCCATCAGGGCCCCTCACACCTGGGTGGCCTGGAACTCCTGGGTGGCCTC[G>A]CTCTCCTGGTGGACCAGGAAATCCCAGTCCTGGGGGCCCCACAGGTCCTGCTTTGCCTGG-3'